The following is an entry in ClinVar:

NM_020433.5(JPH2):c.1357C>T (p.Pro453Ser)

Gene: JPH2 (junctophilin 2; minus strand). Cytogenetic location: 20q13.12.
Variant type: single nucleotide variant.
Coding change: c.1357C>T on transcript NM_020433.5 (MANE Select); coding-DNA position 1357, C replaced by T.
Protein change: p.Pro453Ser; replaces proline 453 with serine.
Molecular consequence: missense variant.
Genome position (GRCh38, 1-based): chr20:44,116,318, G>A on the plus strand (C>T on the coding strand, the complement: JPH2 is on the minus strand). VCF-style: chr20-44116318-G-A. GRCh37 (hg19) VCF-style: chr20-42744958-G-A.
Other names: short protein forms P453S.
Identifiers: ClinVar variation 264361 (VCV000264361.14), dbSNP rs556886570, ClinGen allele CA10587925.

ClinVar aggregate classification (germline): Conflicting classifications of pathogenicity. Review status: criteria provided, conflicting classifications (1 of 4 stars). 4 submissions from 4 submitters: Uncertain significance (3); Likely benign (1). Last evaluated 2026-05-21.

Conditions:
JPH2-related disorder. Also called: JPH2-related condition.
Hypertrophic cardiomyopathy 17. Identifiers: MedGen C3151264, MONDO:0013474, OMIM 613873.
Cardiomyopathy, dilated, 2E. Identifiers: MedGen C5561970, MONDO:0030366, OMIM 619492.
Cardiovascular phenotype. Identifiers: MedGen CN230736.
Hypertrophic cardiomyopathy. Also called: HYPERTROPHIC MYOCARDIOPATHY. Identifiers: Orphanet 217569, MedGen C0007194, MeSH D002312, MONDO:0005045, HP:0001639.

Allele frequency attached by ClinVar (database versions not stated): gnomAD exomes 0.00001 and 0.00004; TOPMed 0.00010; gnomAD 0.00011 and 0.00013; 1000 Genomes Project 0.00020; 1000 Genomes Project 30x 0.00031.
gnomAD v4.1: 36 of 1,544,106 alleles (0.0023%); highest among the groups gnomAD compares: African/African-American, 0.032%; no homozygotes.

Submissions (4):

PreventionGenetics, part of Exact Sciences
Classification: Uncertain significance for JPH2-related condition. Last evaluated: 2026-05-21. Review status: criteria provided, single submitter. Criteria: ACMG Guidelines, 2015. Collection method: clinical testing. Allele origin: germline.
Comment: The JPH2 c.1357C>T variant is predicted to result in the amino acid substitution p.Pro453Ser. To our knowledge, this variant has not been reported in the literature. This variant is reported in 0.016% of alleles in individuals of Latino descent in gnomAD. At this time, the clinical significance of this variant is uncertain due to the absence of conclusive functional and genetic evidence.

Labcorp Genetics (formerly Invitae), Labcorp
Classification: Uncertain significance for Hypertrophic cardiomyopathy. Last evaluated: 2025-10-28. Review status: criteria provided, single submitter. Criteria: Invitae Variant Classification Sherloc (09022015). Collection method: clinical testing. Allele origin: germline.
Comment: This sequence change replaces proline, which is neutral and non-polar, with serine, which is neutral and polar, at codon 453 of the JPH2 protein (p.Pro453Ser). The frequency data for this variant in the population databases is considered unreliable, as metrics indicate poor data quality at this position in the gnomAD database. This variant has not been reported in the literature in individuals affected with JPH2-related conditions. ClinVar contains an entry for this variant (Variation ID: 264361). An algorithm developed to predict the effect of missense changes on protein structure and function (PolyPhen-2) suggests that this variant is likely to be tolerated. In summary, the available evidence is currently insufficient to determine the role of this variant in disease. Therefore, it has been classified as a Variant of Uncertain Significance.

Ambry Genetics
Classification: Likely benign for Cardiovascular phenotype. Last evaluated: 2025-03-27. Review status: criteria provided, single submitter. Criteria: Ambry Variant Classification Scheme 2023. Collection method: clinical testing. Allele origin: germline.

Fulgent Genetics
Classification: Uncertain significance for Hypertrophic cardiomyopathy 17; Cardiomyopathy, dilated, 2E. Last evaluated: 2021-10-20. Review status: criteria provided, single submitter. Criteria: ACMG Guidelines, 2015. Collection method: clinical testing. Allele origin: unknown.